The following is an entry in ClinVar:

NM_007294.4(BRCA1):c.81-22T>A

Gene: BRCA1 (BRCA1 DNA repair associated; minus strand). Cytogenetic location: 17q21.31.
Variant type: single nucleotide variant.
Coding change: c.81-22T>A on transcript NM_007294.4 (MANE Select); 22 bases into the intron before coding-DNA position 81, T replaced by A.
Molecular consequence: intron variant.
Genome position (GRCh38, 1-based): chr17:43,115,801, A>T on the plus strand (T>A on the coding strand, the complement: BRCA1 is on the minus strand). VCF-style: chr17-43115801-A-T. GRCh37 (hg19) VCF-style: chr17-41267818-A-T.
Other names: c.81-22T>A (NM_001407636.1, NM_001407612.1, NM_001408440.1 and 191 more transcripts); c.-108-22T>A (NM_001407917.1, NM_001407956.1, NM_001407897.1 and 52 more transcripts); c.-61-22T>A (NM_001408462.1, NM_001407697.1, NM_001407838.1 and 47 more transcripts); c.-55+8216T>A (NM_001407902.1, NM_001407898.1, NM_001407881.1); c.-177-22T>A (NM_001407724.1, NM_001407746.1, NM_001408468.1 and 13 more transcripts); c.-219+9476T>A (NM_001407967.1); c.-170+9476T>A (NM_001407959.1); c.-7-9268T>A (NM_001407931.1, NM_001407747.1, NM_001408511.1 and 2 more transcripts); and 10 more.
Identifiers: ClinVar variation 867438 (VCV000867438.3), dbSNP rs2055269563, ClinGen allele CA916081102.

Conditions:
Breast-ovarian cancer, familial, susceptibility to, 1 (BROVCA1). Also called: BRCA1 Hereditary Breast and Ovarian Cancer; OVARIAN CANCER, SUSCEPTIBILITY TO. Identifiers: Orphanet 145, MedGen C2676676, MONDO:0011450, OMIM 604370. Disease mechanism: loss of function.

Submission:

Brotman Baty Institute, University of Washington
No classification provided (evidence only). Condition: Breast-ovarian cancer, familial 1. Review status: no classification provided. Collection method: in vitro. Allele origin: not applicable. Functional consequence: functionally_normal.
ClinVar note: "not provided" was previously submitted as the classification for the variant. However, the classification appeared to be based only on an observation of functional data so it was converted to no classification on 2025-07-30.